The following is an entry in ClinVar:

NM_001012339.3(DNAJC21):c.327G>A (p.Thr109=)

Gene: DNAJC21 (DnaJ heat shock protein family (Hsp40) member C21; plus strand). Cytogenetic location: 5p13.2.
Variant type: single nucleotide variant.
Coding change: c.327G>A on transcript NM_001012339.3 (MANE Select); coding-DNA position 327, G replaced by A.
Protein change: p.Thr109=; no amino-acid change (threonine 109 retained).
Molecular consequence: synonymous variant.
Genome position (GRCh38, 1-based): chr5:34,936,155, G>A. VCF-style: chr5-34936155-G-A. GRCh37 (hg19) VCF-style: chr5-34936260-G-A.
Other names: c.327G>A, p.Thr109= (NM_001348420.2, NM_194283.4); c.327G>A (NM_001012339.2).
Identifiers: ClinVar variation 731093 (VCV000731093.13), dbSNP rs147400420, ClinGen allele CA3228420.

ClinVar aggregate classification (germline): Benign/Likely benign. Review status: criteria provided, multiple submitters, no conflicts (2 of 4 stars). 3 submissions from 3 submitters: Benign (1); Likely benign (2). Last evaluated 2026-01-15.

Conditions:
DNAJC21-related disorder. Also called: DNAJC21-related condition.

Allele frequency attached by ClinVar (database versions not stated): ExAC 0.00022; 1000 Genomes Project 0.00040; 1000 Genomes Project 30x 0.00047; ESP Exome Variant Server 0.00054; TOPMed 0.00057; gnomAD 0.00064.
gnomAD v4.1: 223 of 1,612,352 alleles (0.014%); highest among the groups gnomAD compares: African/African-American, 0.2%; no homozygotes.

Submissions (5):

Labcorp Genetics (formerly Invitae), Labcorp
Classification: Benign. Last evaluated: 2026-01-15. Review status: criteria provided, single submitter. Criteria: Invitae Variant Classification Sherloc (09022015). Collection method: clinical testing. Allele origin: germline.

PreventionGenetics, part of Exact Sciences
Classification: Likely benign for DNAJC21-related condition. Last evaluated: 2025-01-06. Review status: criteria provided, single submitter. Criteria: ACMG Guidelines, 2015. Collection method: clinical testing. Allele origin: germline.
Comment: This variant is classified as likely benign based on ACMG/AMP sequence variant interpretation guidelines (Richards et al. 2015 PMID: 25741868, with internal and published modifications).

Blueprint Genetics
Classification: Likely benign. Last evaluated: 2024-08-09. Review status: criteria provided, single submitter. Criteria: ACMG Guidelines, 2015. Collection method: clinical testing. Allele origin: germline.

Dr. Peter K. Rogan Lab, Western University
No classification provided (evidence only). Condition: Acute myeloid leukemia. Review status: no classification provided. Collection method: in vitro. Allele origin: not applicable. Functional consequence: retained intron. Not counted in ClinVar's aggregate classification.

Dr. Peter K. Rogan Lab, Western University
No classification provided (evidence only). Condition: Uterine corpus endometrial carcinoma. Review status: no classification provided. Collection method: in vitro. Allele origin: not applicable. Functional consequence: retained intron. Not counted in ClinVar's aggregate classification.